The following is an entry in ClinVar:

ClinVar aggregate classification (germline): Likely benign. Review status: criteria provided, multiple submitters, no conflicts (2 of 4 stars). 2 submissions from 2 submitters: Likely benign (2). Last evaluated 2025-06-05.

Conditions:
Tuberous sclerosis 2 (TSC2). Identifiers: Orphanet 805, MedGen C1860707, MONDO:0013199, OMIM 613254.

Allele frequency attached by ClinVar (database versions not stated): gnomAD exomes below 0.00001.
gnomAD v4.1: 2 of 1,612,244 alleles (0.00012%); highest among the groups gnomAD compares: Admixed American, 0.0017%; no homozygotes.

Submissions (2):

Myriad Genetics, Inc.
Classification: Likely benign for Tuberous sclerosis 2. Last evaluated: 2025-06-05. Review status: criteria provided, single submitter. Criteria: Myriad Autosomal Dominant, Autosomal Recessive and X-Linked Classification Criteria (2023). Collection method: clinical testing. Allele origin: unknown.
Comment: This variant is considered likely benign. This variant is intronic and is not expected to impact mRNA splicing.

Labcorp Genetics (formerly Invitae), Labcorp
Classification: Likely benign for Tuberous sclerosis 2. Last evaluated: 2025-03-22. Review status: criteria provided, single submitter. Criteria: Invitae Variant Classification Sherloc (09022015). Collection method: clinical testing. Allele origin: germline.

NM_000548.5(TSC2):c.4990-17T>C

Gene: TSC2 (TSC complex subunit 2; plus strand). Cytogenetic location: 16p13.3.
Variant type: single nucleotide variant.
Coding change: c.4990-17T>C on transcript NM_000548.5 (MANE Select); 17 bases into the intron before coding-DNA position 4990, T replaced by C.
Molecular consequence: intron variant.
Genome position (GRCh38, 1-based): chr16:2,087,846, T>C. VCF-style: chr16-2087846-T-C. GRCh37 (hg19) VCF-style: chr16-2137847-T-C.
Other names: c.4921-17T>C (NM_001114382.3); c.4861-17T>C (NM_021055.3, NM_001370405.1); c.4792-17T>C (NM_001363528.2); c.4858-17T>C (NM_001370404.1); c.4789-17T>C (NM_001077183.3); c.4681-17T>C (NM_001318827.2); c.4258-17T>C (NM_001318831.2); c.4645-17T>C (NM_001318829.2); and 1 more.
Identifiers: ClinVar variation 1593730 (VCV001593730.9), dbSNP rs1455146146, ClinGen allele CA620705056.